The following is an entry in ClinVar:

NM_031313.3(ALPG):c.516T>C (p.His172=)

Genes: ALPG (alkaline phosphatase, germ cell; plus strand), LOC126806552 (BRD4-independent group 4 enhancer GRCh37_chr2:233271618-233272817; plus strand). Cytogenetic location: 2q37.1.
Variant type: single nucleotide variant.
Coding change: c.516T>C on transcript NM_031313.3 (MANE Select); coding-DNA position 516, T replaced by C.
Protein change: p.His172=; no amino-acid change (histidine 172 retained).
Molecular consequence: synonymous variant.
Genome position (GRCh38, 1-based): chr2:232,407,885, T>C. VCF-style: chr2-232407885-T-C. GRCh37 (hg19) VCF-style: chr2-233272595-T-C.
Identifiers: ClinVar variation 781828 (VCV000781828.24), dbSNP rs113898433, ClinGen allele CA2165819.

ClinVar aggregate classification (germline): Benign/Likely benign. Review status: criteria provided, multiple submitters, no conflicts (2 of 4 stars). 3 submissions from 3 submitters: Benign (2); Likely benign (1). Last evaluated 2024-09-01.

Allele frequency attached by ClinVar (database versions not stated): 1000 Genomes Project 0.00519; TOPMed 0.00546; 1000 Genomes Project 30x 0.00547; gnomAD 0.00564; ESP Exome Variant Server 0.00584.
gnomAD v4.1: 6,595 of 1,613,438 alleles (0.41%); highest among the groups gnomAD compares: African/African-American, 0.9%; 36 homozygotes.

Submissions (3):

CeGaT Center for Human Genetics Tuebingen
Classification: Likely benign. Last evaluated: 2024-09-01. Review status: criteria provided, single submitter. Criteria: CeGaT Center For Human Genetics Tuebingen Variant Classification Criteria Version 2. Collection method: clinical testing. Allele origin: germline. Affected: yes. Observed: 2 variant alleles.
Comment: ALPG: BP4, BP7, BS2

Labcorp Genetics (formerly Invitae), Labcorp
Classification: Benign. Last evaluated: 2017-06-08. Review status: criteria provided, single submitter. Criteria: Invitae Variant Classification Sherloc (09022015). Collection method: clinical testing. Allele origin: germline.

Breakthrough Genomics
Classification: Benign. Review status: criteria provided, single submitter. Criteria: ACMG Guidelines, 2015. Collection method: not provided. Allele origin: germline. Inheritance: Unknown mechanism. Affected: yes.